The following is an entry in ClinVar:

ClinVar aggregate classification (germline): Uncertain significance. Review status: criteria provided, multiple submitters, no conflicts (2 of 4 stars). 3 submissions from 3 submitters: Uncertain significance (3). Last evaluated 2024-05-29.

Conditions:
Inborn genetic diseases. Identifiers: MedGen C0950123, MeSH D030342.

Allele frequency attached by ClinVar (database versions not stated): TOPMed below 0.00001; gnomAD 0.00001; gnomAD exomes 0.00001.
gnomAD v4.1: 11 of 1,550,442 alleles (0.00071%); highest among the groups gnomAD compares: African/African-American, 0.0041%; no homozygotes.

Submissions (3):

GeneDx
Classification: Uncertain significance. Last evaluated: 2024-05-29. Review status: criteria provided, single submitter. Criteria: GeneDx Variant Classification Process June 2021. Collection method: clinical testing. Allele origin: germline. Affected: yes.
Comment: Not observed at significant frequency in large population cohorts (gnomAD); In silico analysis indicates that this variant does not alter splicing; Has not been previously published as pathogenic or benign to our knowledge

Blueprint Genetics
Classification: Uncertain significance. Last evaluated: 2021-08-26. Review status: criteria provided, single submitter. Criteria: ACMG Guidelines, 2015. Collection method: clinical testing. Allele origin: germline.

Ambry Genetics
Classification: Uncertain significance for Inborn genetic diseases. Last evaluated: 2021-06-09. Review status: criteria provided, single submitter. Criteria: Ambry Variant Classification Scheme 2023. Collection method: clinical testing. Allele origin: germline.
Comment: The p.R880C variant (also known as c.2638C>T), located in coding exon 26 of the KIF1A gene, results from a C to T substitution at nucleotide position 2638. The arginine at codon 880 is replaced by cysteine, an amino acid with highly dissimilar properties. This amino acid position is well conserved in available vertebrate species. In addition, the in silico prediction for this alteration is inconclusive. Since supporting evidence is limited at this time, the clinical significance of this alteration remains unclear.

NM_001244008.2(KIF1A):c.2638C>T (p.Arg880Cys)

Gene: KIF1A (kinesin family member 1A; minus strand). Cytogenetic location: 2q37.3.
Variant type: single nucleotide variant.
Coding change: c.2638C>T on transcript NM_001244008.2 (MANE Select); coding-DNA position 2638, C replaced by T.
Protein change: p.Arg880Cys; replaces arginine 880 with cysteine.
Molecular consequence: missense variant. On other transcripts: intron variant (18).
Genome position (GRCh38, 1-based): chr2:240,757,539, G>A on the plus strand (C>T on the coding strand, the complement: KIF1A is on the minus strand). VCF-style: chr2-240757539-G-A. GRCh37 (hg19) VCF-style: chr2-241696956-G-A.
Other names: c.2713C>T, p.Arg905Cys (NM_001379631.1); c.2587C>T, p.Arg863Cys (NM_001379632.1); c.2611C>T, p.Arg871Cys (NM_001379633.1, NM_001379642.1, NM_001379645.1); c.2555+821C>T (NM_001379653.1, NM_001379650.1, NM_001379640.1 and 6 more transcripts); c.2657+821C>T (NM_001379635.1, NM_001330290.2, NM_001379646.1 and 1 more transcripts); c.2630+821C>T (NM_001379637.1, NM_001379648.1); c.2582+821C>T (NM_001320705.2, NM_001379638.1, NM_001330289.2); short protein forms R871C, R880C, R863C, R905C.
Identifiers: ClinVar variation 1794146 (VCV001794146.4), dbSNP rs2050008561, ClinGen allele CA351322344.